The following is an entry in ClinVar:

ClinVar aggregate classification (germline): Uncertain significance (1 of 4 stars; one submission).

Allele frequency attached by ClinVar (database versions not stated): TOPMed below 0.00001; gnomAD 0.00001; gnomAD exomes 0.00001.
gnomAD v4.1: 15 of 1,613,624 alleles (0.00093%); highest among the groups gnomAD compares: Middle Eastern, 0.066%; no homozygotes.

Submission:

GeneDx
Classification: Uncertain significance. Last evaluated: 2021-02-08. Review status: criteria provided, single submitter. Criteria: GeneDx Variant Classification Process June 2021. Collection method: clinical testing. Allele origin: germline. Affected: yes.
Comment: Not observed in large population cohorts (Lek et al., 2016); Has not been previously published as pathogenic or benign to our knowledge; In-silico analysis, which includes splice predictors and evolutionary conservation, is inconclusive as to whether the variant alters gene splicing. In the absence of RNA/functional studies, the actual effect of this sequence change is unknown.

NM_014049.5(ACAD9):c.959-13T>A

Gene: ACAD9 (acyl-CoA dehydrogenase family member 9; plus strand). Cytogenetic location: 3q21.3.
Variant type: single nucleotide variant.
Coding change: c.959-13T>A on transcript NM_014049.5 (MANE Select); 13 bases into the intron before coding-DNA position 959, T replaced by A.
Molecular consequence: intron variant.
Genome position (GRCh38, 1-based): chr3:128,904,049, T>A. VCF-style: chr3-128904049-T-A. GRCh37 (hg19) VCF-style: chr3-128622892-T-A.
Identifiers: ClinVar variation 1222281 (VCV001222281.3), dbSNP rs1365010525, ClinGen allele CA898719305.